The following is an entry in ClinVar:

NM_022356.4(P3H1):c.693G>A (p.Ala231=)

Gene: P3H1 (prolyl 3-hydroxylase 1; minus strand). Cytogenetic location: 1p34.2.
Variant type: single nucleotide variant.
Coding change: c.693G>A on transcript NM_022356.4 (MANE Select); coding-DNA position 693, G replaced by A.
Protein change: p.Ala231=; no amino-acid change (alanine 231 retained).
Molecular consequence: synonymous variant.
Genome position (GRCh38, 1-based): chr1:42,759,316, C>T on the plus strand (G>A on the coding strand, the complement: P3H1 is on the minus strand). VCF-style: chr1-42759316-C-T. GRCh37 (hg19) VCF-style: chr1-43224987-C-T.
Other names: p.Ala231=; c.693G>A, p.Ala231= (NM_001146289.2, NM_001243246.2).
Identifiers: ClinVar variation 468988 (VCV000468988.17), dbSNP rs149113630, ClinGen allele CA802094.
Genomic context (GRCh38, chr1:42,759,316, plus strand): 5'-GTCATAGGGCCCTTCGCAGAGGGCACGGCACTCCTCATAGGCCACAAAGTATTCTTGCAG[C>T]GCCGCCTCTAGGTGGGGCACAGCTTCCTGTGGCTGTTCCTCTGAGTAGAGTCGCACTCCC-3'
Protein context (NP_071751.3, residues 221-241): PQEAVPHLEA[Ala231=]LQEYFVAYEE

ClinVar aggregate classification (germline): Conflicting classifications of pathogenicity. Review status: criteria provided, conflicting classifications (1 of 4 stars). 5 submissions from 5 submitters: Uncertain significance (1); Likely benign (4). Last evaluated 2026-02-01.

Conditions:
Osteogenesis Imperfecta, Recessive.
Osteogenesis imperfecta type 8 (OI8). Identifiers: MedGen C1970458, MONDO:0012581, OMIM 610915.

Allele frequency attached by ClinVar (database versions not stated): gnomAD exomes 0.00021; ExAC 0.00022; gnomAD 0.00024 and 0.00027; TOPMed 0.00026; ESP Exome Variant Server 0.00031.
gnomAD v4.1: 910 of 1,614,182 alleles (0.056%); highest among the groups gnomAD compares: Non-Finnish European, 0.073%; 1 homozygote.

Submissions (5):

Labcorp Genetics (formerly Invitae), Labcorp
Classification: Likely benign for Osteogenesis imperfecta type 8. Last evaluated: 2026-02-01. Review status: criteria provided, single submitter. Criteria: Invitae Variant Classification Sherloc (09022015). Collection method: clinical testing. Allele origin: germline.

Mayo Clinic Laboratories, Mayo Clinic
Classification: Likely benign. Last evaluated: 2025-12-18. Review status: criteria provided, single submitter. Criteria: ACMG Guidelines, 2015. Collection method: clinical testing. Allele origin: germline. Observed: 1 variant allele.
Comment: BP4, BP7

Blueprint Genetics
Classification: Likely benign. Last evaluated: 2024-10-11. Review status: criteria provided, single submitter. Criteria: ACMG Guidelines, 2015. Collection method: clinical testing. Allele origin: germline.

Illumina Laboratory Services, Illumina
Classification: Uncertain significance for Osteogenesis Imperfecta, Recessive. Last evaluated: 2017-04-27. Review status: criteria provided, single submitter. Criteria: ICSL Variant Classification Criteria 13 December 2019. Collection method: clinical testing. Allele origin: germline.

GeneDx
Classification: Likely benign. Last evaluated: 2017-01-18. Review status: criteria provided, single submitter. Criteria: GeneDx Variant Classification (06012015). Collection method: clinical testing. Allele origin: germline. Affected: yes.
Comment: This variant is considered likely benign or benign based on one or more of the following criteria: it is a conservative change, it occurs at a poorly conserved position in the protein, it is predicted to be benign by multiple in silico algorithms, and/or has population frequency not consistent with disease.